The following is an entry in ClinVar:

ClinVar aggregate classification (germline): Uncertain significance (1 of 4 stars; one submission).

Conditions:
Chédiak-Higashi syndrome (CHS). Also called: Chediak-Higashi Syndrome. Identifiers: Orphanet 167, MedGen C0007965, MONDO:0008963, OMIM 214500.

gnomAD v4.1: 1 of 1,614,030 alleles (0.000062%); highest among the groups gnomAD compares: Non-Finnish European, 0.000085%; no homozygotes.

Submission:

Labcorp Genetics (formerly Invitae), Labcorp
Classification: Uncertain significance for Chédiak-Higashi syndrome. Last evaluated: 2026-02-01. Review status: criteria provided, single submitter. Criteria: Invitae Variant Classification Sherloc (09022015). Collection method: clinical testing. Allele origin: germline.
Comment: This sequence change replaces aspartic acid, which is acidic and polar, with valine, which is neutral and non-polar, at codon 3772 of the LYST protein (p.Asp3772Val). This variant is not present in population databases (gnomAD no frequency). This variant has not been reported in the literature in individuals affected with LYST-related conditions. ClinVar contains an entry for this variant (Variation ID: 3679552). Invitae Evidence Modeling of protein sequence and biophysical properties (such as structural, functional, and spatial information, amino acid conservation, physicochemical variation, residue mobility, and thermodynamic stability) has been performed for this missense variant. However, the output from this modeling did not meet the statistical confidence thresholds required to predict the impact of this variant on LYST protein function. In summary, the available evidence is currently insufficient to determine the role of this variant in disease. Therefore, it has been classified as a Variant of Uncertain Significance.

NM_000081.4(LYST):c.11315A>T (p.Asp3772Val)

Gene: LYST (lysosomal trafficking regulator; minus strand). Cytogenetic location: 1q42.3.
Variant type: single nucleotide variant.
Coding change: c.11315A>T on transcript NM_000081.4 (MANE Select); coding-DNA position 11315, A replaced by T.
Protein change: p.Asp3772Val; replaces aspartic acid 3772 with valine.
Molecular consequence: missense variant.
Genome position (GRCh38, 1-based): chr1:235,663,031, T>A on the plus strand (A>T on the coding strand, the complement: LYST is on the minus strand). VCF-style: chr1-235663031-T-A. GRCh37 (hg19) VCF-style: chr1-235826331-T-A.
Other names: c.11315A>T, p.Asp3772Val (NM_001301365.1); short protein forms D3772V.
Identifiers: ClinVar variation 3679552 (VCV003679552.2).